The following is an entry in ClinVar:

NM_006059.4(LAMC3):c.1762C>T (p.His588Tyr)

Genes: LAMC3 (laminin subunit gamma 3; plus strand), LOC126860777 (BRD4-independent group 4 enhancer GRCh37_chr9:133927058-133928257; plus strand). Cytogenetic location: 9q34.12.
Variant type: single nucleotide variant.
Coding change: c.1762C>T on transcript NM_006059.4 (MANE Select); coding-DNA position 1762, C replaced by T.
Protein change: p.His588Tyr; replaces histidine 588 with tyrosine.
Molecular consequence: missense variant.
Genome position (GRCh38, 1-based): chr9:131,052,622, C>T. VCF-style: chr9-131052622-C-T. GRCh37 (hg19) VCF-style: chr9-133928009-C-T.
Other names: short protein forms H588Y.
Identifiers: ClinVar variation 1355974 (VCV001355974.5), dbSNP rs1436587204, ClinGen allele CA375264018.

ClinVar aggregate classification (germline): Uncertain significance (1 of 4 stars; one submission).

Allele frequency attached by ClinVar (database versions not stated): gnomAD exomes below 0.00001 and 0.00001; gnomAD 0.00001; TOPMed 0.00001.

Submission:

Labcorp Genetics (formerly Invitae), Labcorp
Classification: Uncertain significance. Last evaluated: 2022-03-27. Review status: criteria provided, single submitter. Criteria: Invitae Variant Classification Sherloc (09022015). Collection method: clinical testing. Allele origin: germline.
Comment: This sequence change replaces histidine, which is basic and polar, with tyrosine, which is neutral and polar, at codon 588 of the LAMC3 protein (p.His588Tyr). This variant is present in population databases (no rsID available, gnomAD 0.01%). This variant has not been reported in the literature in individuals affected with LAMC3-related conditions. Algorithms developed to predict the effect of missense changes on protein structure and function output the following: SIFT: "Tolerated"; PolyPhen-2: "Benign"; Align-GVGD: "Class C0". The tyrosine amino acid residue is found in multiple mammalian species, which suggests that this missense change does not adversely affect protein function. Algorithms developed to predict the effect of sequence changes on RNA splicing suggest that this variant may create or strengthen a splice site. In summary, the available evidence is currently insufficient to determine the role of this variant in disease. Therefore, it has been classified as a Variant of Uncertain Significance.